The following is an entry in ClinVar:

NM_004304.5(ALK):c.3706G>A (p.Gly1236Ser)

Gene: ALK (ALK receptor tyrosine kinase; minus strand). Cytogenetic location: 2p23.2.
Variant type: single nucleotide variant.
Coding change: c.3706G>A on transcript NM_004304.5 (MANE Select); coding-DNA position 3706, G replaced by A.
Protein change: p.Gly1236Ser; replaces glycine 1236 with serine.
Molecular consequence: missense variant.
Genome position (GRCh38, 1-based): chr2:29,214,021, C>T on the plus strand (G>A on the coding strand, the complement: ALK is on the minus strand). VCF-style: chr2-29214021-C-T. GRCh37 (hg19) VCF-style: chr2-29436887-C-T.
Other names: c.502G>A, p.Gly168Ser (NM_001353765.2); short protein forms G1236S, G168S.
Identifiers: ClinVar variation 3223872 (VCV003223872.1), dbSNP rs2465922737, ClinGen allele CA346471349.

ClinVar aggregate classification (germline): Uncertain significance (1 of 4 stars; one submission).

Conditions:
Hereditary cancer-predisposing syndrome. Also called: Tumor predisposition; Hereditary neoplastic syndrome; Hereditary Cancer Syndrome; Neoplastic Syndromes, Hereditary. Identifiers: Orphanet 140162, MedGen C0027672, MeSH D009386, MONDO:0015356.

Submission:

Ambry Genetics
Classification: Uncertain significance for Hereditary cancer-predisposing syndrome. Last evaluated: 2023-10-24. Review status: criteria provided, single submitter. Criteria: Ambry Variant Classification Scheme 2023. Collection method: clinical testing. Allele origin: germline.
Comment: The p.G1236S variant (also known as c.3706G>A), located in coding exon 24 of the ALK gene, results from a G to A substitution at nucleotide position 3706. The glycine at codon 1236 is replaced by serine, an amino acid with similar properties. This amino acid position is highly conserved in available vertebrate species. In addition, this alteration is predicted to be deleterious by in silico analysis. Since supporting evidence is limited at this time, the clinical significance of this alteration remains unclear.